The following is an entry in ClinVar:

ClinVar aggregate classification (germline): Uncertain significance (1 of 4 stars; one submission).

Submission:

Labcorp Genetics (formerly Invitae), Labcorp
Classification: Uncertain significance. Last evaluated: 2021-09-01. Review status: criteria provided, single submitter. Criteria: Invitae Variant Classification Sherloc (09022015). Collection method: clinical testing. Allele origin: germline.
Comment: This sequence change replaces threonine with alanine at codon 3555 of the ADGRV1 protein (p.Thr3555Ala). The threonine residue is weakly conserved and there is a small physicochemical difference between threonine and alanine. This variant is not present in population databases (ExAC no frequency). This variant has not been reported in the literature in individuals affected with ADGRV1-related conditions. Algorithms developed to predict the effect of missense changes on protein structure and function output the following: SIFT: "Tolerated"; PolyPhen-2: "Benign"; Align-GVGD: "Class C0". The alanine amino acid residue is found in multiple mammalian species, which suggests that this missense change does not adversely affect protein function. In summary, the available evidence is currently insufficient to determine the role of this variant in disease. Therefore, it has been classified as a Variant of Uncertain Significance.

NM_032119.4(ADGRV1):c.10663A>G (p.Thr3555Ala)

Gene: ADGRV1 (adhesion G protein-coupled receptor V1; plus strand). Cytogenetic location: 5q14.3.
Variant type: single nucleotide variant.
Coding change: c.10663A>G on transcript NM_032119.4 (MANE Select); coding-DNA position 10663, A replaced by G.
Protein change: p.Thr3555Ala; replaces threonine 3555 with alanine.
Molecular consequence: missense variant. On other transcripts: non-coding transcript variant (1).
Genome position (GRCh38, 1-based): chr5:90,745,159, A>G. VCF-style: chr5-90745159-A-G. GRCh37 (hg19) VCF-style: chr5-90040976-A-G.
Other names: short protein forms T3555A.
Identifiers: ClinVar variation 1465920 (VCV001465920.5), dbSNP rs1754469880, ClinGen allele CA360408098.
Genomic context (GRCh38, chr5:90,745,159, plus strand): 5'-GAGCGTAATCAATTCTCTTTTGTTCTGGAAGTACCTTCTGCTTATGATGTGGCTTCTGTT[A>G]CAGTAAAGTCCCTTAATTCAAGCAAGAATTTAATAGCTCTAGTGGGAGCTCATTCACATA-3'
Protein context (NP_115495.3, residues 3545-3565): VPSAYDVASV[Thr3555Ala]VKSLNSSKNL